The following is an entry in ClinVar:

NM_000059.4(BRCA2):c.5990G>A (p.Arg1997Lys)

Gene: BRCA2 (BRCA2 DNA repair associated; plus strand). Cytogenetic location: 13q13.1.
Variant type: single nucleotide variant.
Coding change: c.5990G>A on transcript NM_000059.4 (MANE Select); coding-DNA position 5990, G replaced by A.
Protein change: p.Arg1997Lys; replaces arginine 1997 with lysine.
Molecular consequence: missense variant.
Genome position (GRCh38, 1-based): chr13:32,340,345, G>A. VCF-style: chr13-32340345-G-A. GRCh37 (hg19) VCF-style: chr13-32914482-G-A.
Other names: short protein forms R1997K.
Identifiers: ClinVar variation 418858 (VCV000418858.16), dbSNP rs1064793478, ClinGen allele CA16619735.
Genomic context (GRCh38, chr13:32,340,345, plus strand): 5'-TTTTTAGCACAGCAAGTGGAAAATCTGTCCAGGTATCAGATGCTTCATTACAAAACGCAA[G>A]ACAAGTGTTTTCTGAAATAGAAGATAGTACCAAGCAAGTCTTTTCCAAAGTATTGTTTAA-3'
Protein context (NP_000050.3, residues 1987-2007): QVSDASLQNA[Arg1997Lys]QVFSEIEDST

ClinVar aggregate classification (germline): Conflicting classifications of pathogenicity. Review status: criteria provided, conflicting classifications (1 of 4 stars). 7 submissions from 7 submitters: Uncertain significance (6); Likely benign (1). Last evaluated 2025-02-27.

Conditions:
Hereditary cancer-predisposing syndrome. Also called: Hereditary neoplastic syndrome; Tumor predisposition; Neoplastic Syndromes, Hereditary; Hereditary Cancer Syndrome. Identifiers: Orphanet 140162, MedGen C0027672, MeSH D009386, MONDO:0015356.
Hereditary breast ovarian cancer syndrome. Also called: Hereditary breast and ovarian cancer; Hereditary breast and/or ovarian cancer syndrome; Hereditary breast and ovarian cancer syndrome; Hereditary breast and ovarian cancer syndrome (HBOC); Breast and ovarian cancer; BRCA1- and BRCA2-Associated Hereditary Breast and Ovarian Cancer. Identifiers: Orphanet 145, MedGen C0677776, MeSH D061325, MONDO:0003582. Disease mechanism: loss of function.

Submissions (7):

Labcorp Genetics (formerly Invitae), Labcorp
Classification: Uncertain significance for Hereditary breast ovarian cancer syndrome. Last evaluated: 2025-02-27. Review status: criteria provided, single submitter. Criteria: Invitae Variant Classification Sherloc (09022015). Collection method: clinical testing. Allele origin: germline.
Comment: This sequence change replaces arginine, which is basic and polar, with lysine, which is basic and polar, at codon 1997 of the BRCA2 protein (p.Arg1997Lys). This variant is not present in population databases (gnomAD no frequency). This variant has not been reported in the literature in individuals affected with BRCA2-related conditions. ClinVar contains an entry for this variant (Variation ID: 418858). Invitae Evidence Modeling of protein sequence and biophysical properties (such as structural, functional, and spatial information, amino acid conservation, physicochemical variation, residue mobility, and thermodynamic stability) indicates that this missense variant is not expected to disrupt BRCA2 protein function with a negative predictive value of 95%. In summary, the available evidence is currently insufficient to determine the role of this variant in disease. Therefore, it has been classified as a Variant of Uncertain Significance.

Color Diagnostics, LLC DBA Color Health
Classification: Uncertain significance for Hereditary cancer-predisposing syndrome. Last evaluated: 2025-01-07. Review status: criteria provided, single submitter. Criteria: ACMG Guidelines, 2015. Collection method: clinical testing. Allele origin: germline.
Comment: This missense variant replaces arginine with lysine at codon 1997 of the BRCA2 protein. This variant is located in a cold spot region where missense variants are unlikely to be pathogenic (PMID:31911673). Computational prediction suggests that this variant may not impact protein structure and function. To our knowledge, functional studies have not been reported for this variant. This variant has not been reported in individuals affected with hereditary cancer in the literature. This variant has not been identified in the general population by the Genome Aggregation Database (gnomAD). The available evidence is insufficient to determine the role of this variant in disease conclusively. Therefore, this variant is classified as a Variant of Uncertain Significance.

Ambry Genetics
Classification: Uncertain significance for Hereditary cancer-predisposing syndrome. Last evaluated: 2023-10-27. Review status: criteria provided, single submitter. Criteria: Ambry Variant Classification Scheme 2023. Collection method: clinical testing. Allele origin: germline.
Comment: The p.R1997K variant (also known as c.5990G>A), located in coding exon 10 of the BRCA2 gene, results from a G to A substitution at nucleotide position 5990. The arginine at codon 1997 is replaced by lysine, an amino acid with highly similar properties. This amino acid position is not well conserved in available vertebrate species, and lysine is the reference amino acid in other vertebrate species. In addition, this alteration is predicted to be tolerated by in silico analysis. Since supporting evidence is limited at this time, the clinical significance of this alteration remains unclear.

Quest Diagnostics Nichols Institute San Juan Capistrano
Classification: Uncertain significance. Last evaluated: 2023-09-05. Review status: criteria provided, single submitter. Criteria: Quest Diagnostics criteria. Collection method: clinical testing. Allele origin: unknown.
Comment: In the published literature, this variant has been reported to be located in a region of the BRCA2 gene that is tolerant to missense sequence changes (PMID: 31911673 (2020)). This variant has not been reported in large, multi-ethnic general populations (Genome Aggregation Database). Analysis of this variant using bioinformatics tools for the prediction of the effect of amino acid changes on protein structure and function yielded predictions that this variant is benign. Based on the available information, we are unable to determine the clinical significance of this variant.

University of Washington Department of Laboratory Medicine, University of Washington
Classification: Likely benign for Hereditary cancer-predisposing syndrome. Last evaluated: 2023-03-23. Review status: criteria provided, single submitter. Criteria: Dines et al. (Genet Med. 2020). Collection method: curation. Allele origin: germline.
Comment: Missense variant in a coldspot region where missense variants are very unlikely to be pathogenic (PMID:31911673).

BRCA2 exon 11 coldspot. Reclassification based on statistical prior probability.

GeneDx
Classification: Uncertain significance. Last evaluated: 2017-09-05. Review status: criteria provided, single submitter. Criteria: GeneDx Variant Classification (06012015). Collection method: clinical testing. Allele origin: germline. Affected: yes.
Comment: This variant is denoted BRCA2 c.5990G>A at the cDNA level, p.Arg1997Lys (R1997K) at the protein level, and results in the change of an Arginine to a Lysine (AGA>AAA). This variant, also known as BRCA2 6218G>A using alternate nomenclature, has not, to our knowledge, been published in the literature as pathogenic or benign. BRCA2 Arg1997Lys was not observed in large population cohorts (NHLBI Exome Sequencing Project, The 1000 Genomes Consortium 2015, Lek 2016). Since Arginine and Lysine share similar properties, this is considered a conservative amino acid substitution. BRCA2 Arg1997Lys occurs at a position that is not conserved and is located in the BRC7 domain and the region of interaction with RAD51 (Cole 2011, Roy 2012). In silico analyses are inconsistent regarding the effect this variant may have on protein structure and function. Based on currently available evidence, it is unclear whether BRCA2 Arg1997Lys is a pathogenic or benign variant. We consider it to be a variant of uncertain significance.

Women's Health and Genetics/Laboratory Corporation of America, LabCorp
Classification: Uncertain significance. Last evaluated: 2017-02-21. Review status: criteria provided, single submitter. Criteria: LabCorp Variant Classification Summary - May 2015. Collection method: clinical testing. Allele origin: germline.
Comment: Variant summary: The BRCA2 5990G>A (p.Arg1997Lys) variant causes a missense change involving the alteration of a non-conserved nucleotide. 4/4 in silico tools predict a benign outcome for this variant (SNPs&GO not captured due to low reliability index). The variant is located in one of the BRCA repeats that is critical for binding to RAD51 (a key protein in DNA recombinational repair) and resistance to methyl methanesulphonate treatment. The variant is absent from control datasets of ExAC and gnomAD (120,488 and 251,944 chrs tested, respectively). The variant of interest has not, to our knowledge, been reported in affected individuals via publications and/or cited by clinical diagnostic laboratories, nor was it evaluated for functional impact by in vivo/vitro studies. UMD reports this variant in 1 patient and classifies it as "unknown variant" as of 19/04/16. Due to the absence of clinical information and lack of functional studies, the variant is classified as a variant of uncertain significance (VUS) until additional information becomes available.

Literature cited by the submitters: PubMed 31911673 (cited by Color Diagnostics, LLC DBA Color Health and Quest Diagnostics Nichols Institute San Juan Capistrano).